The following is an entry in ClinVar:

NM_032242.4(PLXNA1):c.2961C>T (p.Asn987=)

Genes: PLXNA1 (plexin A1; plus strand), LOC129937476 (ATAC-STARR-seq lymphoblastoid active region 20450; plus strand). Cytogenetic location: 3q21.3.
Variant type: single nucleotide variant.
Coding change: c.2961C>T on transcript NM_032242.4 (MANE Select); coding-DNA position 2961, C replaced by T.
Protein change: p.Asn987=; no amino-acid change (asparagine 987 retained).
Molecular consequence: synonymous variant.
Genome position (GRCh38, 1-based): chr3:127,015,267, C>T. VCF-style: chr3-127015267-C-T. GRCh37 (hg19) VCF-style: chr3-126734110-C-T.
Identifiers: ClinVar variation 3032821 (VCV003032821.2), dbSNP rs767692996, ClinGen allele CA2593829.

ClinVar aggregate classification (germline): Likely benign (0 of 4 stars; one submission).

Conditions:
PLXNA1-related disorder. Also called: PLXNA1-related condition.

Allele frequency attached by ClinVar (database versions not stated): gnomAD 0.00001; ExAC 0.00002; TOPMed 0.00002.
gnomAD v4.1: 39 of 1,612,698 alleles (0.0024%); highest among the groups gnomAD compares: East Asian, 0.0089%; no homozygotes.

Submission:

PreventionGenetics, part of Exact Sciences
Classification: Likely benign for PLXNA1-related condition. Last evaluated: 2021-08-26. Review status: no assertion criteria provided. Collection method: clinical testing. Allele origin: germline.
Comment: This variant is classified as likely benign based on ACMG/AMP sequence variant interpretation guidelines (Richards et al. 2015 PMID: 25741868, with internal and published modifications).